The following is an entry in ClinVar:

ClinVar aggregate classification (germline): Uncertain significance. Review status: criteria provided, multiple submitters, no conflicts (2 of 4 stars). 3 submissions from 3 submitters: Uncertain significance (2). 1 of the submissions does not count toward it. Last evaluated 2022-05-29.

Conditions:
Alstrom syndrome (ALMS). Identifiers: Orphanet 64, MedGen C0268425, MONDO:0008763, OMIM 203800.

Allele frequency attached by ClinVar (database versions not stated): gnomAD exomes below 0.00001.
gnomAD v4.1: 2 of 1,613,976 alleles (0.00012%); highest among the groups gnomAD compares: Non-Finnish European, 0.00017%; no homozygotes.

Submissions (3):

Labcorp Genetics (formerly Invitae), Labcorp
Classification: Uncertain significance for Alstrom syndrome. Last evaluated: 2022-05-29. Review status: criteria provided, single submitter. Criteria: Invitae Variant Classification Sherloc (09022015). Collection method: clinical testing. Allele origin: germline.
Comment: This sequence change replaces arginine, which is basic and polar, with cysteine, which is neutral and slightly polar, at codon 339 of the ALMS1 protein (p.Arg339Cys). This variant is not present in population databases (gnomAD no frequency). This variant has not been reported in the literature in individuals affected with ALMS1-related conditions. ClinVar contains an entry for this variant (Variation ID: 989563). Experimental studies and prediction algorithms are not available or were not evaluated, and the functional significance of this variant is currently unknown. In summary, the available evidence is currently insufficient to determine the role of this variant in disease. Therefore, it has been classified as a Variant of Uncertain Significance.

Fulgent Genetics
Classification: Uncertain significance for Alstrom syndrome. Last evaluated: 2022-04-06. Review status: criteria provided, single submitter. Criteria: ACMG Guidelines, 2015. Collection method: clinical testing. Allele origin: unknown.

Natera, Inc.
Classification: Uncertain significance for Alstrom syndrome. Last evaluated: 2020-08-14. Review status: no assertion criteria provided. Collection method: clinical testing. Allele origin: germline. Not counted in ClinVar's aggregate classification.

NM_001378454.1(ALMS1):c.1012C>T (p.Arg338Cys)

Gene: ALMS1 (ALMS1 centrosome and basal body associated protein; plus strand). Cytogenetic location: 2p13.1.
Variant type: single nucleotide variant.
Coding change: c.1012C>T on transcript NM_001378454.1 (MANE Select); coding-DNA position 1012, C replaced by T.
Protein change: p.Arg338Cys; replaces arginine 338 with cysteine.
Molecular consequence: missense variant.
Genome position (GRCh38, 1-based): chr2:73,424,677, C>T. VCF-style: chr2-73424677-C-T. GRCh37 (hg19) VCF-style: chr2-73651805-C-T.
Other names: c.1015C>T, p.Arg339Cys (NM_015120.4); short protein forms R338C, R339C.
Identifiers: ClinVar variation 989563 (VCV000989563.6), dbSNP rs867586310, ClinGen allele CA50368300.